The following is an entry in ClinVar:

NM_182943.3(PLOD2):c.1478T>A (p.Leu493His)

Gene: PLOD2 (procollagen-lysine,2-oxoglutarate 5-dioxygenase 2; minus strand). Cytogenetic location: 3q24.
Variant type: single nucleotide variant.
Coding change: c.1478T>A on transcript NM_182943.3 (MANE Select); coding-DNA position 1478, T replaced by A.
Protein change: p.Leu493His; replaces leucine 493 with histidine.
Molecular consequence: missense variant.
Genome position (GRCh38, 1-based): chr3:146,079,138, A>T on the plus strand (T>A on the coding strand, the complement: PLOD2 is on the minus strand). VCF-style: chr3-146079138-A-T. GRCh37 (hg19) VCF-style: chr3-145796925-A-T.
Other names: c.1478T>A, p.Leu493His (NM_000935.3); short protein forms L493H.
Identifiers: ClinVar variation 1431331 (VCV001431331.4), dbSNP rs780359513, ClinGen allele CA2654887.
Genomic context (GRCh38, chr3:146,079,138, plus strand): 5'-ATAAGAACATTCAAGCAAGCCATCACTGCATATCTTACCATTTCTCTAGCATTTCGGCAA[A>T]GAGCCATATCAGGATCCAGTTTATCACGAACAAAATAGTTCCTTTCATTCATCTCTGATC-3'
Protein context (NP_891988.1, residues 483-503): VRDKLDPDMA[Leu493His]CRNAREMTLQ

ClinVar aggregate classification (germline): Uncertain significance (1 of 4 stars; one submission).

Allele frequency attached by ClinVar (database versions not stated): TOPMed 0.00005; gnomAD 0.00003; gnomAD exomes 0.00003; ExAC 0.00006.
gnomAD v4.1: 50 of 1,612,848 alleles (0.0031%); highest among the groups gnomAD compares: Non-Finnish European, 0.0036%; no homozygotes.

Submission:

Labcorp Genetics (formerly Invitae), Labcorp
Classification: Uncertain significance. Last evaluated: 2022-10-17. Review status: criteria provided, single submitter. Criteria: Invitae Variant Classification Sherloc (09022015). Collection method: clinical testing. Allele origin: germline.
Comment: This sequence change replaces leucine, which is neutral and non-polar, with histidine, which is basic and polar, at codon 493 of the PLOD2 protein (p.Leu493His). This variant is present in population databases (rs780359513, gnomAD 0.007%). This variant has not been reported in the literature in individuals affected with PLOD2-related conditions. ClinVar contains an entry for this variant (Variation ID: 1431331). Advanced modeling of protein sequence and biophysical properties (such as structural, functional, and spatial information, amino acid conservation, physicochemical variation, residue mobility, and thermodynamic stability) performed at Invitae indicates that this missense variant is expected to disrupt PLOD2 protein function. In summary, the available evidence is currently insufficient to determine the role of this variant in disease. Therefore, it has been classified as a Variant of Uncertain Significance.